The following is an entry in ClinVar:

NM_005619.5(RTN2):c.1313G>A (p.Arg438His)

Genes: OPA3-RTN2 (OPA3-RTN2 readthrough; minus strand), RTN2 (reticulon 2; minus strand). Cytogenetic location: 19q13.32.
Variant type: single nucleotide variant.
Coding change: c.1313G>A on transcript NM_005619.5 (MANE Select); coding-DNA position 1313, G replaced by A.
Protein change: p.Arg438His; replaces arginine 438 with histidine.
Molecular consequence: missense variant.
Genome position (GRCh38, 1-based): chr19:45,488,915, C>T on the plus strand (G>A on the coding strand, the complement: RTN2 is on the minus strand). VCF-style: chr19-45488915-C-T. GRCh37 (hg19) VCF-style: chr19-45992173-C-T.
Other names: c.1094G>A, p.Arg365His (NM_206900.3); c.293G>A, p.Arg98His (NM_206901.3); short protein forms R98H, R365H, R438H.
Identifiers: ClinVar variation 2135413 (VCV002135413.4), dbSNP rs1968089378, ClinGen allele CA406355355.

ClinVar aggregate classification (germline): Uncertain significance (1 of 4 stars; one submission).

Conditions:
Spastic paraplegia. Identifiers: MedGen C0037772, HP:0001258.

Allele frequency attached by ClinVar (database versions not stated): gnomAD 0.00001; gnomAD exomes 0.00001.
gnomAD v4.1: 13 of 1,609,862 alleles (0.00081%); highest among the groups gnomAD compares: African/African-American, 0.0013%; no homozygotes.

Submission:

Labcorp Genetics (formerly Invitae), Labcorp
Classification: Uncertain significance for Spastic paraplegia. Last evaluated: 2022-05-08. Review status: criteria provided, single submitter. Criteria: Invitae Variant Classification Sherloc (09022015). Collection method: clinical testing. Allele origin: germline.
Comment: In summary, the available evidence is currently insufficient to determine the role of this variant in disease. Therefore, it has been classified as a Variant of Uncertain Significance. Algorithms developed to predict the effect of missense changes on protein structure and function output the following: SIFT: "Tolerated"; PolyPhen-2: "Benign"; Align-GVGD: "Class C0". The histidine amino acid residue is found in multiple mammalian species, which suggests that this missense change does not adversely affect protein function. This variant has not been reported in the literature in individuals affected with RTN2-related conditions. This variant is not present in population databases (gnomAD no frequency). This sequence change replaces arginine, which is basic and polar, with histidine, which is basic and polar, at codon 438 of the RTN2 protein (p.Arg438His).